The following is an entry in ClinVar:

ClinVar aggregate classification (germline): Benign/Likely benign. Review status: criteria provided, multiple submitters, no conflicts (2 of 4 stars). 6 submissions from 5 submitters: Benign (2); Likely benign (2). 2 of the submissions do not count toward it. Last evaluated 2026-01-28.

Conditions:
TSHR-related disorder. Also called: TSHR-related disorders; TSHR-related condition.
Hypothyroidism due to TSH receptor mutations. Also called: HYPOTHYROIDISM DUE TO UNRESPONSIVENESS TO THYROTROPIN; HYPOTHYROIDISM, CONGENITAL, DUE TO TSH RESISTANCE; HYPOTHYROIDISM, NONAUTOIMMUNE; THYROID-STIMULATING HORMONE, RESISTANCE TO; TSH RESISTANCE; Hypothyroidism, congenital, nongoitrous, 1. Identifiers: Orphanet 90673, MedGen C3493776, MONDO:0010142, OMIM 275200.
Familial hyperthyroidism due to mutations in TSH receptor. Also called: TOXIC THYROID HYPERPLASIA, AUTOSOMAL DOMINANT; HYPERTHYROIDISM, CONGENITAL NONAUTOIMMUNE; HYPERTHYROIDISM, NONAUTOIMMUNE, AUTOSOMAL DOMINANT. Identifiers: Orphanet 424, MedGen C1836706, MONDO:0012203, OMIM 609152.

Allele frequency attached by ClinVar (database versions not stated): gnomAD exomes 0.00416; ExAC 0.00500; 1000 Genomes Project 0.01597; gnomAD 0.01604 and 0.01750; 1000 Genomes Project 30x 0.01718; TOPMed 0.01843; ESP Exome Variant Server 0.01861.
gnomAD v4.1: 4,954 of 1,614,140 alleles (0.31%); highest among the groups gnomAD compares: African/African-American, 5.9%; 164 homozygotes.

Submissions (6):

Labcorp Genetics (formerly Invitae), Labcorp
Classification: Benign. Last evaluated: 2026-01-28. Review status: criteria provided, single submitter. Criteria: Invitae Variant Classification Sherloc (09022015). Collection method: clinical testing. Allele origin: germline.

Illumina Laboratory Services, Illumina
Classification: Benign for Familial hyperthyroidism due to mutations in TSH receptor. Last evaluated: 2018-01-13. Review status: criteria provided, single submitter. Criteria: ICSL Variant Classification Criteria 13 December 2019. Collection method: clinical testing. Allele origin: germline.
Comment: This variant was observed in the ICSL laboratory as part of a predisposition screen in an ostensibly healthy population. It had not been previously curated by ICSL or reported in the Human Gene Mutation Database (HGMD: prior to June 1st, 2018), and was therefore a candidate for classification through an automated scoring system. Utilizing variant allele frequency, disease prevalence and penetrance estimates, and inheritance mode, an automated score was calculated to assess if this variant is too frequent to cause the disease. Based on the score and internal cut-off values, a variant classified as benign is not then subjected to further curation. The score for this variant resulted in a classification of benign for this disease.

Illumina Laboratory Services, Illumina
Classification: Likely benign for Hypothyroidism due to TSH receptor mutations. Last evaluated: 2018-01-13. Review status: criteria provided, single submitter. Criteria: ICSL Variant Classification Criteria 13 December 2019. Collection method: clinical testing. Allele origin: germline.
Comment: This variant was observed in the ICSL laboratory as part of a predisposition screen in an ostensibly healthy population. It had not been previously curated by ICSL or reported in the Human Gene Mutation Database (HGMD: prior to June 1st, 2018), and was therefore a candidate for classification through an automated scoring system. Utilizing variant allele frequency, disease prevalence and penetrance estimates, and inheritance mode, an automated score was calculated to assess if this variant is too frequent to cause the disease. Based on the score and internal cut-off values, a variant classified as likely benign is not then subjected to further curation. The score for this variant resulted in a classification of likely benign for this disease.

Breakthrough Genomics
Classification: Likely benign. Review status: criteria provided, single submitter. Criteria: ACMG Guidelines, 2015. Collection method: not provided. Allele origin: germline. Inheritance: Autosomal recessive inheritance. Affected: yes.

PreventionGenetics, part of Exact Sciences
Classification: Benign for TSHR-related condition. Last evaluated: 2019-07-10. Review status: no assertion criteria provided. Collection method: clinical testing. Allele origin: germline. Not counted in ClinVar's aggregate classification.
Comment: This variant is classified as benign based on ACMG/AMP sequence variant interpretation guidelines (Richards et al. 2015 PMID: 25741868, with internal and published modifications).

ITMI
No classification provided. Condition: AllHighlyPenetrant. Last evaluated: 2013-09-19. Review status: no classification provided. Collection method: reference population. Allele origin: germline. Not counted in ClinVar's aggregate classification.
Comment: Please see associated publication for description of ethnicities

Literature cited by the submitters: PubMed 24728327 (cited by ITMI).

NM_000369.5(TSHR):c.2232C>G (p.Asn744Lys)

Genes: TSHR-AS1 (TSHR antisense RNA 1; minus strand), TSHR (thyroid stimulating hormone receptor; plus strand). Cytogenetic location: 14q31.1.
Variant type: single nucleotide variant.
Coding change: c.2232C>G on transcript NM_000369.5 (MANE Select); coding-DNA position 2232, C replaced by G.
Protein change: p.Asn744Lys; replaces asparagine 744 with lysine.
Molecular consequence: missense variant.
Genome position (GRCh38, 1-based): chr14:81,144,290, C>G. VCF-style: chr14-81144290-C-G. GRCh37 (hg19) VCF-style: chr14-81610634-C-G.
Other names: short protein forms N744K.
Identifiers: ClinVar variation 135396 (VCV000135396.15), dbSNP rs61743974, ClinGen allele CA162637.
Genomic context (GRCh38, chr14:81,144,290, plus strand): 5'-TACCCACGAGATGAGGCAGGGTCTCCACAACATGGAAGATGTCTATGAACTGATTGAAAA[C>G]TCCCATCTAACCCCAAAGAAGCAAGGCCAAATCTCAGAAGAGTATATGCAAACGGTTTTG-3'
Protein context (NP_000360.2, residues 734-754): NMEDVYELIE[Asn744Lys]SHLTPKKQGQ